The following is an entry in ClinVar:

ClinVar aggregate classification (germline): Uncertain significance (1 of 4 stars; one submission).

gnomAD v4.1: 25 of 1,546,978 alleles (0.0016%); highest among the groups gnomAD compares: Non-Finnish European, 0.002%; no homozygotes.

Submission:

Labcorp Genetics (formerly Invitae), Labcorp
Classification: Uncertain significance. Last evaluated: 2025-08-23. Review status: criteria provided, single submitter. Criteria: Invitae Variant Classification Sherloc (09022015). Collection method: clinical testing. Allele origin: germline.
Comment: This sequence change replaces alanine, which is neutral and non-polar, with valine, which is neutral and non-polar, at codon 1609 of the CASZ1 protein (p.Ala1609Val). This variant is present in population databases (no rsID available, gnomAD 0.005%). This variant has not been reported in the literature in individuals affected with CASZ1-related conditions. An algorithm developed to predict the effect of missense changes on protein structure and function (PolyPhen-2) suggests that this variant is likely to be tolerated. In summary, the available evidence is currently insufficient to determine the role of this variant in disease. Therefore, it has been classified as a Variant of Uncertain Significance.

NM_001079843.3(CASZ1):c.4826C>T (p.Ala1609Val)

Gene: CASZ1 (castor zinc finger 1; minus strand). Cytogenetic location: 1p36.22.
Variant type: single nucleotide variant.
Coding change: c.4826C>T on transcript NM_001079843.3 (MANE Select); coding-DNA position 4826, C replaced by T.
Protein change: p.Ala1609Val; replaces alanine 1609 with valine.
Molecular consequence: missense variant.
Genome position (GRCh38, 1-based): chr1:10,639,396, G>A on the plus strand (C>T on the coding strand, the complement: CASZ1 is on the minus strand). VCF-style: chr1-10639396-G-A. GRCh37 (hg19) VCF-style: chr1-10699453-G-A.
Other names: short protein forms A1609V.
Identifiers: ClinVar variation 4749200 (VCV004749200.1).
Genomic context (GRCh38, chr1:10,639,396, plus strand): 5'-AGCGAGCCCGGCTCGGCGCCCAGCGACAGGGAGCCGTCCAGACTGATGGGAGGCCCGGGC[G>A]CGGGGCCCTCTGCCGCGGGCTCGCCGCGCTCCTGCTTCTCGTGCTTGCGCTTGTGCGAGT-3'
Protein context (NP_001073312.1, residues 1599-1619): ERGEPAAEGP[Ala1609Val]PGPPISLDGS